The following is an entry in ClinVar:

NM_053025.4(MYLK):c.5029A>T (p.Thr1677Ser)

Genes: MYLK-AS1 (MYLK antisense RNA 1; plus strand), MYLK (myosin light chain kinase; minus strand), LOC126806791 (MED14-independent group 3 enhancer GRCh37_chr3:123347871-123349070; plus strand). Cytogenetic location: 3q21.1.
Variant type: single nucleotide variant.
Coding change: c.5029A>T on transcript NM_053025.4 (MANE Select); coding-DNA position 5029, A replaced by T.
Protein change: p.Thr1677Ser; replaces threonine 1677 with serine.
Molecular consequence: missense variant. On other transcripts: non-coding transcript variant (2), intron variant (2).
Genome position (GRCh38, 1-based): chr3:123,629,559, T>A on the plus strand (A>T on the coding strand, the complement: MYLK is on the minus strand). VCF-style: chr3-123629559-T-A. GRCh37 (hg19) VCF-style: chr3-123348406-T-A.
Other names: c.4501A>T, p.Thr1501Ser (NM_001321309.2); c.4822A>T, p.Thr1608Ser (NM_053026.4); c.4755-2618A>T (NM_053028.4); c.4962-2618A>T (NM_053027.4); short protein forms T1677S, T1501S, T1608S.
Identifiers: ClinVar variation 3401095 (VCV003401095.1).

ClinVar aggregate classification (germline): Uncertain significance (1 of 4 stars; one submission).

Conditions:
Familial thoracic aortic aneurysm and aortic dissection (TAAD). Also called: Thoracic aortic aneurysms and dissections. Identifiers: Orphanet 91387, MedGen C4707243, MONDO:0019625.

Submission:

Ambry Genetics
Classification: Uncertain significance for Familial thoracic aortic aneurysm and aortic dissection. Last evaluated: 2024-08-12. Review status: criteria provided, single submitter. Criteria: Ambry Variant Classification Scheme 2023. Collection method: clinical testing. Allele origin: germline.
Comment: The p.T1677S variant (also known as c.5029A>T), located in coding exon 27 of the MYLK gene, results from an A to T substitution at nucleotide position 5029. The threonine at codon 1677 is replaced by serine, an amino acid with similar properties. This amino acid position is conserved. In addition, this alteration is predicted to be tolerated by in silico analysis. Based on the available evidence, the clinical significance of this variant remains unclear.